The following is an entry in ClinVar:

ClinVar aggregate classification (germline): Pathogenic (1 of 4 stars; one submission).

Conditions:
Neuromuscular disease caused by qualitative or quantitative defects of dystrophin. Also called: Qualitative or quantitative defects of dystrophin. Identifiers: Orphanet 207085, MedGen C5679787, MONDO:0016147.

Submission:

Women's Health and Genetics/Laboratory Corporation of America, LabCorp
Classification: Pathogenic for Dystrophinopathies. Last evaluated: 2020-09-11. Review status: criteria provided, single submitter. Criteria: LabCorp Variant Classification Summary - May 2015. Collection method: clinical testing. Allele origin: germline.
Comment: Variant summary: The variant identified by MLPA or other technology involves the deletion of exons 10-11 in the DMD gene. A presumed nomenclature of c.(960+1_961-1)_(1331+1_1332-1)del has been designated for the purposes of this classification. Although exact breakpoints of this deletion are not known, it is expected to result in a frameshift change in the DMD gene (predicted as p.His321Phefs*2 in databases), a known mechanism of disease. The variant was absent in 16120 control chromosomes (gnomAD structural variants dataset). c.(960+1_961-1)_(1331+1_1332-1)del has been reported in the literature in multiple individuals affected with Dystrophinopathies (Gardner_1995, Janssen_2005, Luce_2016). These data indicate that the variant is likely to be associated with disease. To our knowledge, no experimental evidence demonstrating an impact on protein function has been reported. One ClinVar submitter (evaluation after 2014) cites the variant as pathogenic. Based on the evidence outlined above, the variant was classified as pathogenic.

Literature cited by the submitters: PubMed 15655674; PubMed 7668256; PubMed 27206868.

NC_000023.11:g.(32614454_32644131)_(32645153_32697869)del

Gene: DMD (dystrophin; minus strand). Cytogenetic location: Xp21.1.
Variant type: Deletion.
Identifiers: ClinVar variation 982017 (VCV000982017.1).